The following is an entry in ClinVar:

ClinVar aggregate classification (germline): Uncertain significance (1 of 4 stars; one submission).

Conditions:
RASopathy. Also called: Noonan spectrum disorder; rasopathies. Identifiers: Orphanet 536391, MedGen C5555857, MONDO:0021060.

Submission:

Labcorp Genetics (formerly Invitae), Labcorp
Classification: Uncertain significance for Rasopathy. Last evaluated: 2018-11-18. Review status: criteria provided, single submitter. Criteria: Invitae Variant Classification Sherloc (09022015). Collection method: clinical testing. Allele origin: germline.
Comment: This sequence change replaces aspartic acid with alanine at codon 107 of the NRAS protein (p.Asp107Ala). The aspartic acid residue is highly conserved and there is a moderate physicochemical difference between aspartic acid and alanine. This variant is not present in population databases (ExAC no frequency). This variant has not been reported in the literature in individuals with NRAS-related disease. Algorithms developed to predict the effect of missense changes on protein structure and function are either unavailable or do not agree on the potential impact of this missense change (SIFT: "Deleterious"; PolyPhen-2: "Benign"; Align-GVGD: "Class C25"). In summary, the available evidence is currently insufficient to determine the role of this variant in disease. Therefore, it has been classified as a Variant of Uncertain Significance.

NM_002524.5(NRAS):c.320A>C (p.Asp107Ala)

Gene: NRAS (NRAS proto-oncogene, GTPase; minus strand). Cytogenetic location: 1p13.2.
Variant type: single nucleotide variant.
Coding change: c.320A>C on transcript NM_002524.5 (MANE Select); coding-DNA position 320, A replaced by C.
Protein change: p.Asp107Ala; replaces aspartic acid 107 with alanine.
Molecular consequence: missense variant.
Genome position (GRCh38, 1-based): chr1:114,709,699, T>G on the plus strand (A>C on the coding strand, the complement: NRAS is on the minus strand). VCF-style: chr1-114709699-T-G. GRCh37 (hg19) VCF-style: chr1-115252320-T-G.
Other names: short protein forms D107A.
Identifiers: ClinVar variation 651614 (VCV000651614.1), dbSNP rs1570871503, ClinGen allele CA341739665.